The following is an entry in ClinVar:

NM_016630.7(SPG21):c.63+18A>G

Gene: SPG21 (SPG21 abhydrolase domain containing, maspardin; minus strand). Cytogenetic location: 15q22.31.
Variant type: single nucleotide variant.
Coding change: c.63+18A>G on transcript NM_016630.7 (MANE Select); 18 bases into the intron after coding-DNA position 63, A replaced by G.
Molecular consequence: intron variant.
Genome position (GRCh38, 1-based): chr15:64,983,489, T>C on the plus strand (A>G on the coding strand, the complement: SPG21 is on the minus strand). VCF-style: chr15-64983489-T-C. GRCh37 (hg19) VCF-style: chr15-65275827-T-C.
Other names: c.63+18A>G (NM_001127890.5, NM_001127889.5).
Identifiers: ClinVar variation 680411 (VCV000680411.9), dbSNP rs191335539, ClinGen allele CA7613106.

ClinVar aggregate classification (germline): Likely benign. Review status: criteria provided, multiple submitters, no conflicts (2 of 4 stars). 2 submissions from 2 submitters: Likely benign (2). Last evaluated 2026-01-13.

Conditions:
Mast syndrome. Also called: SPASTIC PARAPLEGIA 21, AUTOSOMAL RECESSIVE. Identifiers: Orphanet 101001, MedGen C1855346, MONDO:0009568, OMIM 248900.

Allele frequency attached by ClinVar (database versions not stated): gnomAD exomes 0.00006 and 0.00016; ExAC 0.00021; gnomAD 0.00060 and 0.00063; TOPMed 0.00066; ESP Exome Variant Server 0.00069.
gnomAD v4.1: 172 of 1,544,774 alleles (0.011%); highest among the groups gnomAD compares: African/African-American, 0.19%; no homozygotes.

Submissions (2):

Labcorp Genetics (formerly Invitae), Labcorp
Classification: Likely benign for Mast syndrome. Last evaluated: 2026-01-13. Review status: criteria provided, single submitter. Criteria: Invitae Variant Classification Sherloc (09022015). Collection method: clinical testing. Allele origin: germline.

GeneDx
Classification: Likely benign. Last evaluated: 2018-03-20. Review status: criteria provided, single submitter. Criteria: GeneDx Variant Classification (06012015). Collection method: clinical testing. Allele origin: germline. Affected: yes.
Comment: This variant is considered likely benign or benign based on one or more of the following criteria: it is a conservative change, it occurs at a poorly conserved position in the protein, it is predicted to be benign by multiple in silico algorithms, and/or has population frequency not consistent with disease.